The following is an entry in ClinVar:

ClinVar aggregate classification (germline): Conflicting classifications of pathogenicity. Review status: criteria provided, conflicting classifications (1 of 4 stars). 4 submissions from 4 submitters: Uncertain significance (3); Likely benign (1). Last evaluated 2026-01-05.

Conditions:
Mucopolysaccharidosis, MPS-III-A (MPS3A). Also called: mucopolysaccharidosis type 3A; MPS IIIA (Sanfilippo Syndrome Type A); HEPARAN SULFATE SULFATASE DEFICIENCY; MUCOPOLYSACCHARIDOSIS, TYPE IIIA, ATTENUATED; Mucopolysaccharidosis type IIIA (Sanfilippo A); Mucopolysaccharidosis, type IIIA. Identifiers: Orphanet 581, Orphanet 79269, MedGen C0086647, MONDO:0009655, OMIM 252900.

Allele frequency attached by ClinVar (database versions not stated): gnomAD exomes 0.00008 and 0.00007; TOPMed 0.00006; ESP Exome Variant Server 0.00008; ExAC 0.00012; gnomAD 0.00006.
gnomAD v4.1: 114 of 1,612,842 alleles (0.0071%); highest among the groups gnomAD compares: Non-Finnish European, 0.009%; no homozygotes.

Submissions (4):

Labcorp Genetics (formerly Invitae), Labcorp
Classification: Likely benign for Mucopolysaccharidosis, MPS-III-A. Last evaluated: 2026-01-05. Review status: criteria provided, single submitter. Criteria: Invitae Variant Classification Sherloc (09022015). Collection method: clinical testing. Allele origin: germline.

Blueprint Genetics
Classification: Uncertain significance. Last evaluated: 2024-10-03. Review status: criteria provided, single submitter. Criteria: ACMG Guidelines, 2015. Collection method: clinical testing. Allele origin: germline.

Genomic Medicine Center of Excellence, King Faisal Specialist Hospital and Research Centre
Classification: Uncertain significance for Mucopolysaccharidosis, MPS-III-A. Last evaluated: 2024-04-04. Review status: criteria provided, single submitter. Criteria: ACMG Guidelines, 2015. Collection method: clinical testing. Allele origin: germline.

GeneDx
Classification: Uncertain significance. Last evaluated: 2023-03-19. Review status: criteria provided, single submitter. Criteria: GeneDx Variant Classification Process June 2021. Collection method: clinical testing. Allele origin: germline. Affected: yes.
Comment: In silico analysis supports that this missense variant does not alter protein structure/function; Has not been previously published as pathogenic or benign to our knowledge

NM_000199.5(SGSH):c.410C>T (p.Ala137Val)

Gene: SGSH (N-sulfoglucosamine sulfohydrolase; minus strand). Cytogenetic location: 17q25.3.
Variant type: single nucleotide variant.
Coding change: c.410C>T on transcript NM_000199.5 (MANE Select); coding-DNA position 410, C replaced by T.
Protein change: p.Ala137Val; replaces alanine 137 with valine.
Molecular consequence: missense variant. On other transcripts: non-coding transcript variant (1).
Genome position (GRCh38, 1-based): chr17:80,214,711, G>A on the plus strand (C>T on the coding strand, the complement: SGSH is on the minus strand). VCF-style: chr17-80214711-G-A. GRCh37 (hg19) VCF-style: chr17-78188510-G-A.
Other names: c.410C>T, p.Ala137Val (NM_001352921.3, NM_001352922.2); short protein forms A137V.
Identifiers: ClinVar variation 969196 (VCV000969196.12), dbSNP rs367805575, ClinGen allele CA8818024.
Genomic context (GRCh38, chr17:80,214,711, plus strand): 5'-AGCTTAATTCTAGTGATGTTCCGCCCCACCTGGAGGACGGAGCCATTCTCCTCCGTGTAC[G>A]CAAAGTCAAACGGGTACACGGTCTCCGGCCCCACGTGCTTCTTCCCGATGATGCCTGGGC-3'
Protein context (NP_000190.1, residues 127-147): GPETVYPFDF[Ala137Val]YTEENGSVLQ